The following is an entry in ClinVar:

NM_001130987.2(DYSF):c.1330_1331del (p.Lys444fs)

Gene: DYSF (dysferlin; plus strand). Cytogenetic location: 2p13.2.
Variant type: Deletion.
Coding change: c.1330_1331del on transcript NM_001130987.2 (MANE Select); coding-DNA positions 1330 to 1331, 2 bases deleted (AA; older notation c.1330_1331delAA).
Protein change: p.Lys444fs; shifts the reading frame from lysine 444.
Molecular consequence: frameshift variant.
Genome position (GRCh38, 1-based): chr2:71,528,351-71,528,352, AA deleted. VCF-style (leftmost placement, unchanged base first): chr2-71528350-CAA-C. GRCh37 (hg19) VCF-style: chr2-71755480-CAA-C.
Other names: c.1237_1238del, p.Lys413fs (NM_001130455.2, NM_001130983.2, NM_001130984.2 and 1 more transcripts); c.1234_1235del, p.Lys412fs (NM_001130976.2, NM_001130977.2, NM_001130978.2 and 1 more transcripts); c.1327_1328del, p.Lys443fs (NM_001130979.2, NM_001130980.2, NM_001130981.2); c.1330_1331del, p.Lys444fs (NM_001130982.2, NM_001130985.2); short protein forms K412fs, K413fs, K443fs, K444fs.
Identifiers: ClinVar variation 5013035 (VCV005013035.1).

ClinVar aggregate classification (germline): Pathogenic (1 of 4 stars; one submission).

Conditions:
Autosomal recessive limb-girdle muscular dystrophy. Identifiers: Orphanet 102015, MedGen C2931907, MONDO:0015152.

Submission:

Myriad Genetics, Inc.
Classification: Pathogenic for Autosomal recessive limb-girdle muscular dystrophy. Last evaluated: 2024-05-11. Review status: criteria provided, single submitter. Criteria: Myriad Autosomal Dominant, Autosomal Recessive and X-Linked Classification Criteria (2023). Collection method: clinical testing. Allele origin: unknown.
Comment: NM_003494.3(DYSF):c.1234_1235delAA(K412Efs*61) is expected to be pathogenic in the context of dysferlinopathy. This variant is predicted to lead to an abnormal or absent protein product due to the creation of a premature termination codon in DYSF, a gene where loss-of-function variants are known to be pathogenic. Please note: this variant was assessed in the context of healthy population screening.